The following is an entry in ClinVar:

ClinVar aggregate classification (germline): Uncertain significance. Review status: criteria provided, multiple submitters, no conflicts (2 of 4 stars). 2 submissions from 2 submitters: Uncertain significance (2). Last evaluated 2025-09-25.

Conditions:
Cardiovascular phenotype. Identifiers: MedGen CN230736.

gnomAD v4.1: 11 of 1,614,064 alleles (0.00068%); highest among the groups gnomAD compares: Non-Finnish European, 0.00093%; no homozygotes.

Submissions (2):

Ambry Genetics
Classification: Uncertain significance for Cardiovascular phenotype. Last evaluated: 2025-09-25. Review status: criteria provided, single submitter. Criteria: Ambry Variant Classification Scheme 2023. Collection method: clinical testing. Allele origin: germline.
Comment: The p.E452A variant (also known as c.1355A>C), located in coding exon 10 of the ABCG5 gene, results from an A to C substitution at nucleotide position 1355. The glutamic acid at codon 452 is replaced by alanine, an amino acid with dissimilar properties. This amino acid position is conserved. In addition, this alteration is predicted to be deleterious by in silico analysis. Based on the available evidence, the clinical significance of this variant remains unclear.

Women's Health and Genetics/Laboratory Corporation of America, LabCorp
Classification: Uncertain significance. Last evaluated: 2024-07-28. Review status: criteria provided, single submitter. Criteria: LabCorp Variant Classification Summary - May 2015. Collection method: clinical testing. Allele origin: germline.

NM_022436.3(ABCG5):c.1355A>C (p.Glu452Ala)

Genes: DYNC2LI1 (dynein cytoplasmic 2 light intermediate chain 1; plus strand), ABCG5 (ATP binding cassette subfamily G member 5; minus strand). Cytogenetic location: 2p21.
Variant type: single nucleotide variant.
Coding change: c.1355A>C on transcript NM_022436.3 (MANE Select); coding-DNA position 1355, A replaced by C.
Protein change: p.Glu452Ala; replaces glutamic acid 452 with alanine.
Molecular consequence: missense variant. On other transcripts: intron variant (2).
Genome position (GRCh38, 1-based): chr2:43,822,905, T>G on the plus strand (A>C on the coding strand, the complement: ABCG5 is on the minus strand). VCF-style: chr2-43822905-T-G. GRCh37 (hg19) VCF-style: chr2-44050044-T-G.
Other names: c.*16-4481T>G (NM_001348913.2, NM_001348912.2); c.1355A>C (NM_022436.2); short protein forms E452A.
Identifiers: ClinVar variation 3339301 (VCV003339301.1).